The following is an entry in ClinVar:

NM_001142800.2(EYS):c.9344T>A (p.Val3115Asp)

Genes: EYS (EGF-like photoreceptor maintenance factor; minus strand), PHF3 (PHD finger protein 3; plus strand). Cytogenetic location: 6q12.
Variant type: single nucleotide variant.
Coding change: c.9344T>A on transcript NM_001142800.2 (MANE Select); coding-DNA position 9344, T replaced by A.
Protein change: p.Val3115Asp; replaces valine 3115 with aspartic acid.
Molecular consequence: missense variant. On other transcripts: 3 prime UTR variant (5).
Genome position (GRCh38, 1-based): chr6:63,720,687, A>T on the plus strand (T>A on the coding strand, the complement: EYS is on the minus strand). VCF-style: chr6-63720687-A-T. GRCh37 (hg19) VCF-style: chr6-64430583-A-T.
Other names: c.*6979A>T (NM_001290259.2, NM_001370348.2, NM_001370349.2 and 2 more transcripts); c.9407T>A, p.Val3136Asp (NM_001292009.2); short protein forms V3115D, V3136D.
Identifiers: ClinVar variation 636032 (VCV000636032.21), dbSNP rs748838955, ClinGen allele CA140236783.

ClinVar aggregate classification (germline): Conflicting classifications of pathogenicity. Review status: criteria provided, conflicting classifications (1 of 4 stars). 8 submissions from 8 submitters: Likely pathogenic (6); Uncertain significance (1). 1 of the submissions does not count toward it. Last evaluated 2026-05-12.

Conditions:
Retinitis pigmentosa 25 (RP25). Identifiers: Orphanet 791, MedGen C1864446, MONDO:0011272, OMIM 602772.
Retinitis pigmentosa (RP). Identifiers: Orphanet 791, MedGen C0035334, MeSH D012174, MONDO:0019200, OMIM 268000. Inheritance: Autosomal dominant, autosomal recessive and X linked inheritance.
EYS-related disorder. Also called: EYS-related condition.

Allele frequency attached by ClinVar (database versions not stated): gnomAD exomes 0.00001; gnomAD 0.00002.
gnomAD v4.1: 61 of 1,546,702 alleles (0.0039%); highest among the groups gnomAD compares: Non-Finnish European, 0.0052%; no homozygotes.

Submissions (8):

Myriad Genetics, Inc.
Classification: Uncertain significance for Retinitis pigmentosa 25. Last evaluated: 2026-05-12. Review status: criteria provided, single submitter. Criteria: Myriad Autosomal Dominant, Autosomal Recessive and X-Linked Classification Criteria (2023). Collection method: clinical testing. Allele origin: unknown.
Comment: NM_001142800.1(EYS):c.9344T>A(V3115D) is a missense variant classified as a variant of uncertain significance in the context of retinitis pigmentosa, EYS-related. V3115D has been observed in cases with relevant disease (PMID: 30718709, 32037395, 38219857). Relevant functional assessments of this variant are not available in the literature. V3115D has been observed in referenced population frequency databases. In summary, there is insufficient evidence to classify NM_001142800.1(EYS):c.9344T>A(V3115D) as pathogenic or benign. Please note: this variant was assessed in the context of healthy population screening.

Labcorp Genetics (formerly Invitae), Labcorp
Classification: Likely pathogenic. Last evaluated: 2026-01-07. Review status: criteria provided, single submitter. Criteria: Invitae Variant Classification Sherloc (09022015). Collection method: clinical testing. Allele origin: germline.
Comment: This sequence change replaces valine, which is neutral and non-polar, with aspartic acid, which is acidic and polar, at codon 3115 of the EYS protein (p.Val3115Asp). This variant is present in population databases (rs748838955, gnomAD 0.001%). This missense change has been observed in individuals with clinical features of inherited retinal dystrophy (PMID: 30718709, 32037395, 38219857; internal data). ClinVar contains an entry for this variant (Variation ID: 636032). Invitae Evidence Modeling of protein sequence and biophysical properties (such as structural, functional, and spatial information, amino acid conservation, physicochemical variation, residue mobility, and thermodynamic stability) indicates that this missense variant is not expected to disrupt EYS protein function with a negative predictive value of 80%. In summary, the currently available evidence indicates that the variant is pathogenic, but additional data are needed to prove that conclusively. Therefore, this variant has been classified as Likely Pathogenic.

Natera, Inc.
Classification: Likely pathogenic for Retinitis pigmentosa type 25. Last evaluated: 2025-05-16. Review status: criteria provided, single submitter. Criteria: Natera Variant Classification Schema (03/2026). Collection method: clinical testing. Allele origin: germline.
Comment: The c.9344T>A variant in EYS is a missense variant predicted to cause substitution of valine to aspartic acid at amino acid 3115. This variant is rare in the general population with a frequency below the threshold expected for the associated phenotype(s). This variant has been observed in one or more individuals affected with the associated recessive disease, as either homozygous or compound heterozygous with a second variant (PMID: 30718709, 32037395, 38219857). This variant has been observed to segregate in affected family members (PMID: 38219857). Computational prediction algorithms indicate this variant is likely to affect gene or protein function. Given the available evidence, this variant is classified as Likely Pathogenic.

Fulgent Genetics
Classification: Likely pathogenic for Retinitis pigmentosa 25. Last evaluated: 2024-06-06. Review status: criteria provided, single submitter. Criteria: ACMG Guidelines, 2015. Collection method: clinical testing. Allele origin: germline.

Baylor Genetics
Classification: Likely pathogenic for Retinitis pigmentosa 25. Last evaluated: 2024-03-04. Review status: criteria provided, single submitter. Criteria: ACMG Guidelines, 2015. Collection method: clinical testing. Allele origin: unknown.

Blueprint Genetics
Classification: Likely pathogenic for EYS-related disorders. Last evaluated: 2023-11-01. Review status: criteria provided, single submitter. Criteria: ACMG Guidelines, 2015. Collection method: clinical testing. Allele origin: germline. Affected: yes. Observed: 2 variant alleles.

Women's Health and Genetics/Laboratory Corporation of America, LabCorp
Classification: Likely pathogenic for Retinitis pigmentosa. Last evaluated: 2023-04-25. Review status: criteria provided, single submitter. Criteria: LabCorp Variant Classification Summary - May 2015. Collection method: clinical testing. Allele origin: germline.
Comment: Variant summary: EYS c.9344T>A (p.Val3115Asp) results in a non-conservative amino acid change located in the Laminin G domain (IPR001791) of the encoded protein sequence. Five of five in-silico tools predict a damaging effect of the variant on protein function. The variant allele was found at a frequency of 6.5e-06 in 153108 control chromosomes. The available data on variant occurrences in the general population are insufficient to allow any conclusion about variant significance. c.9344T>A has been reported in the literature in both compound heterozygous and homozygous individuals affected with Inherited Retinal Disease (e.g., Jespersgaard_2019, Zampaglione_2020). These data indicate that the variant is likely to be associated with disease. To our knowledge, no experimental evidence demonstrating an impact on protein function has been reported. The following publications have been ascertained in the context of this evaluation (PMID: 30718709, 32037395). Four ClinVar submitters (evaluation after 2014) have classified the variant as likely pathogenic (n = 1) or uncertain significance (n = 3). Based on the evidence outlined above, the variant was classified as likely pathogenic.

Department of Clinical Genetics, Copenhagen University Hospital, Rigshospitalet
Classification: Uncertain significance for Retinitis pigmentosa. Last evaluated: 2018-04-01. Review status: flagged submission. Collection method: research. Allele origin: unknown. Affected: yes. Study: VeluxRD. Not counted in ClinVar's aggregate classification.
ClinVar note: Reason: Older claim that does not account for recent evidence

Literature cited by the submitters: PubMed 30718709 (cited by 5 submitters); PubMed 32037395 (cited by 4 submitters); PubMed 38219857 (cited by 3 submitters).